The following is an entry in ClinVar:

NM_020163.3(SEMA3G):c.552C>T (p.Asp184=)

Gene: SEMA3G (semaphorin 3G; minus strand). Cytogenetic location: 3p21.1.
Variant type: single nucleotide variant.
Coding change: c.552C>T on transcript NM_020163.3 (MANE Select); coding-DNA position 552, C replaced by T.
Protein change: p.Asp184=; no amino-acid change (aspartic acid 184 retained).
Molecular consequence: synonymous variant.
Genome position (GRCh38, 1-based): chr3:52,441,689, G>A on the plus strand (C>T on the coding strand, the complement: SEMA3G is on the minus strand). VCF-style: chr3-52441689-G-A. GRCh37 (hg19) VCF-style: chr3-52475705-G-A.
Identifiers: ClinVar variation 3030653 (VCV003030653.2), dbSNP rs200805845, ClinGen allele CA2438289.

ClinVar aggregate classification (germline): Likely benign (0 of 4 stars; one submission).

Conditions:
SEMA3G-related disorder. Also called: SEMA3G-related condition.

Allele frequency attached by ClinVar (database versions not stated): gnomAD 0.00001; gnomAD exomes 0.00002; TOPMed 0.00002; ExAC 0.00003; 1000 Genomes Project 30x 0.00016; 1000 Genomes Project 0.00020.

Submission:

PreventionGenetics, part of Exact Sciences
Classification: Likely benign for SEMA3G-related condition. Last evaluated: 2023-04-17. Review status: no assertion criteria provided. Collection method: clinical testing. Allele origin: germline.
Comment: This variant is classified as likely benign based on ACMG/AMP sequence variant interpretation guidelines (Richards et al. 2015 PMID: 25741868, with internal and published modifications).